The following is an entry in ClinVar:

NM_201384.3(PLEC):c.9163G>A (p.Val3055Met)

Gene: PLEC (plectin; minus strand). Cytogenetic location: 8q24.3.
Variant type: single nucleotide variant.
Coding change: c.9163G>A on transcript NM_201384.3 (MANE Select); coding-DNA position 9163, G replaced by A.
Protein change: p.Val3055Met; replaces valine 3055 with methionine.
Molecular consequence: missense variant.
Genome position (GRCh38, 1-based): chr8:143,920,658, C>T on the plus strand (G>A on the coding strand, the complement: PLEC is on the minus strand). VCF-style: chr8-143920658-C-T. GRCh37 (hg19) VCF-style: chr8-144994826-C-T.
Other names: c.9244G>A, p.Val3082Met (NM_000445.5); c.9121G>A, p.Val3041Met (NM_201378.4); c.9097G>A, p.Val3033Met (NM_201379.3); c.9574G>A, p.Val3192Met (NM_201380.4); c.9067G>A, p.Val3023Met (NM_201381.3); c.9163G>A, p.Val3055Met (NM_201382.4); c.9175G>A, p.Val3059Met (NM_201383.3); short protein forms V3041M, V3023M, V3059M, V3082M, V3033M, V3055M, V3192M.
Identifiers: ClinVar variation 1037010 (VCV001037010.10), dbSNP rs1281499416, ClinGen allele CA372513555.
Genomic context (GRCh38, chr8:143,920,658, plus strand): 5'-GGGCGCTGGTGGCGGGGTCGATGATGTGCCCGGTGCCGGCCTGGGCTTCCAACAGGGCCA[C>T]GGCCATGTCGGATGGCAGCAGGTCTTTCTTCAGGGCATTGTAGATACTCAGCTTCTGCCC-3'
Protein context (NP_958786.1, residues 3045-3065): KKDLLPSDMA[Val3055Met]ALLEAQAGTG

ClinVar aggregate classification (germline): Uncertain significance. Review status: criteria provided, multiple submitters, no conflicts (2 of 4 stars). 2 submissions from 2 submitters: Uncertain significance (2). Last evaluated 2025-11-25.

Conditions:
Epidermolysis bullosa simplex 5C, with pyloric atresia (EBS5C). Also called: PLEC1-Related Epidermolysis Bullosa with Pyloric Atresia; Epidermolysis bullosa simplex with pyloric atresia; PLEC-Related Epidermolysis Bullosa with Pyloric Atresia. Identifiers: Orphanet 158684, MedGen C2677349, MONDO:0012807, OMIM 612138.
Epidermolysis bullosa simplex 5B, with muscular dystrophy (EBS5B). Also called: EPIDERMOLYSIS BULLOSA SIMPLEX AND LIMB-GIRDLE MUSCULAR DYSTROPHY; Epidermolysis bullosa simplex with muscular dystrophy. Identifiers: Orphanet 257, MedGen C2931072, MONDO:0009181, OMIM 226670.
Epidermolysis bullosa simplex with nail dystrophy (EBS5D). Identifiers: MedGen C4225309, MONDO:0014661, OMIM 616487.
Epidermolysis bullosa simplex, Ogna type (EBS5A). Also called: Pidermolysis bullosa simplex 5A, Ogna type; EPIDERMOLYSIS BULLOSA SIMPLEX 5A, OGNA TYPE. Identifiers: Orphanet 79401, MedGen C0432317, MONDO:0007555, OMIM 131950.
Autosomal recessive limb-girdle muscular dystrophy type 2Q (LGMDR17). Also called: MUSCULAR DYSTROPHY, LIMB-GIRDLE, AUTOSOMAL RECESSIVE 17. Identifiers: Orphanet 254361, MedGen C3150989, MONDO:0013390, OMIM 613723.

Allele frequency attached by ClinVar (database versions not stated): TOPMed 0.00002.
gnomAD v4.1: 32 of 1,603,972 alleles (0.002%); highest among the groups gnomAD compares: Non-Finnish European, 0.0023%; no homozygotes.

Submissions (2):

Labcorp Genetics (formerly Invitae), Labcorp
Classification: Uncertain significance for Autosomal recessive limb-girdle muscular dystrophy type 2Q; Epidermolysis bullosa simplex, Ogna type; Epidermolysis bullosa simplex with nail dystrophy; Epidermolysis bullosa simplex 5C, with pyloric atresia; Epidermolysis bullosa simplex 5B, with muscular dystrophy. Last evaluated: 2025-11-25. Review status: criteria provided, single submitter. Criteria: Invitae Variant Classification Sherloc (09022015). Collection method: clinical testing. Allele origin: germline.
Comment: This sequence change replaces valine, which is neutral and non-polar, with methionine, which is neutral and non-polar, at codon 3082 of the PLEC protein (p.Val3082Met). This variant is not present in population databases (gnomAD no frequency). This variant has not been reported in the literature in individuals affected with PLEC-related conditions. ClinVar contains an entry for this variant (Variation ID: 1037010). An algorithm developed to predict the effect of missense changes on protein structure and function (PolyPhen-2) suggests that this variant is likely to be disruptive. In summary, the available evidence is currently insufficient to determine the role of this variant in disease. Therefore, it has been classified as a Variant of Uncertain Significance.

Revvity Omics, Revvity
Classification: Uncertain significance. Last evaluated: 2024-06-10. Review status: criteria provided, single submitter. Criteria: ACMG Guidelines, 2015. Collection method: clinical testing. Allele origin: germline.